The following is an entry in ClinVar:

NM_138711.6(PPARG):c.711A>G (p.Gly237=)

Genes: PPARG (peroxisome proliferator activated receptor gamma; plus strand), LOC114803475 (PPARG eExon liver enhancer; plus strand). Cytogenetic location: 3p25.2.
Variant type: single nucleotide variant.
Coding change: c.711A>G on transcript NM_138711.6 (MANE Select); coding-DNA position 711, A replaced by G.
Protein change: p.Gly237=; no amino-acid change (glycine 237 retained).
Molecular consequence: synonymous variant. On other transcripts: intron variant (2).
Genome position (GRCh38, 1-based): chr3:12,406,063, A>G. VCF-style: chr3-12406063-A-G. GRCh37 (hg19) VCF-style: chr3-12447562-A-G.
Other names: c.711A>G, p.Gly237= (NM_001330615.4, NM_001354666.3, NM_001354667.3 and 6 more transcripts); c.801A>G, p.Gly267= (NM_001354668.2, NM_001374265.1, NM_015869.5); c.717A>G, p.Gly239= (NM_001354670.2); c.103-10641A>G (NM_001354669.2); c.653+64A>G (NM_001374266.1).
Identifiers: ClinVar variation 3351146 (VCV003351146.1).

ClinVar aggregate classification (germline): Likely benign (0 of 4 stars; one submission).

Conditions:
PPARG-related disorder. Also called: PPARG-related disorders; PPARG-related condition.

gnomAD v4.1: 6 of 1,614,000 alleles (0.00037%); highest among the groups gnomAD compares: African/African-American, 0.008%; no homozygotes.

Submission:

PreventionGenetics, part of Exact Sciences
Classification: Likely benign for PPARG-related condition. Last evaluated: 2024-01-04. Review status: no assertion criteria provided. Collection method: clinical testing. Allele origin: germline.
Comment: This variant is classified as likely benign based on ACMG/AMP sequence variant interpretation guidelines (Richards et al. 2015 PMID: 25741868, with internal and published modifications).